The following is an entry in ClinVar:

ClinVar aggregate classification (germline): Uncertain significance (1 of 4 stars; one submission).

gnomAD v4.1: 20 of 1,297,566 alleles (0.0015%); highest among the groups gnomAD compares: Non-Finnish European, 0.0018%; no homozygotes.

Submission:

Labcorp Genetics (formerly Invitae), Labcorp
Classification: Uncertain significance. Last evaluated: 2024-03-16. Review status: criteria provided, single submitter. Criteria: Invitae Variant Classification Sherloc (09022015). Collection method: clinical testing. Allele origin: germline.
Comment: This sequence change replaces proline, which is neutral and non-polar, with serine, which is neutral and polar, at codon 104 of the IRF2BP2 protein (p.Pro104Ser). This variant is present in population databases (no rsID available, gnomAD 0.03%). This variant has not been reported in the literature in individuals affected with IRF2BP2-related conditions. An algorithm developed to predict the effect of missense changes on protein structure and function (PolyPhen-2) suggests that this variant is likely to be tolerated. In summary, the available evidence is currently insufficient to determine the role of this variant in disease. Therefore, it has been classified as a Variant of Uncertain Significance.

NM_182972.3(IRF2BP2):c.310C>T (p.Pro104Ser)

Genes: IRF2BP2 (interferon regulatory factor 2 binding protein 2; minus strand), LOC129932812 (ATAC-STARR-seq lymphoblastoid silent region 1977; plus strand). Cytogenetic location: 1q42.3.
Variant type: single nucleotide variant.
Coding change: c.310C>T on transcript NM_182972.3 (MANE Select); coding-DNA position 310, C replaced by T.
Protein change: p.Pro104Ser; replaces proline 104 with serine.
Molecular consequence: missense variant.
Genome position (GRCh38, 1-based): chr1:234,609,185, G>A on the plus strand (C>T on the coding strand, the complement: IRF2BP2 is on the minus strand). VCF-style: chr1-234609185-G-A. GRCh37 (hg19) VCF-style: chr1-234744931-G-A.
Other names: c.310C>T, p.Pro104Ser (NM_001077397.1); short protein forms P104S.
Identifiers: ClinVar variation 3692843 (VCV003692843.2).
Genomic context (GRCh38, chr1:234,609,185, plus strand): 5'-CGGCCGCGGCCGCCAACGGGTAGCGCTCCAAGGCCTGCGGCGCGCGCGGGGCCGCCTCGG[G>A]GCCGCCGTGGCCAAGCTGCTGCTGCTGCTGCAAAAGGATGTCCTTGGCGGAGAGCGGCGG-3'
Protein context (NP_892017.2, residues 94-114): QQQQQLGHGG[Pro104Ser]EAAPRAPQAL